The following is an entry in ClinVar:

ClinVar aggregate classification (germline): Pathogenic (1 of 4 stars; one submission).

Submission:

Labcorp Genetics (formerly Invitae), Labcorp
Classification: Pathogenic. Last evaluated: 2024-08-28. Review status: criteria provided, single submitter. Criteria: Invitae Variant Classification Sherloc (09022015). Collection method: clinical testing. Allele origin: germline.
Comment: This sequence change creates a premature translational stop signal (p.Lys1008Leufs*2) in the POLE gene. It is expected to result in an absent or disrupted protein product. Loss-of-function variants in POLE are known to be pathogenic (PMID: 23230001, 25948378, 30503519). This variant is not present in population databases (gnomAD no frequency). This variant has not been reported in the literature in individuals affected with POLE-related conditions. Algorithms developed to predict the effect of sequence changes on RNA splicing suggest that this variant may disrupt the consensus splice site. For these reasons, this variant has been classified as Pathogenic.

Literature cited by the submitters: PubMed 23230001; PubMed 25948378; PubMed 30503519.

NM_006231.4(POLE):c.3013_3020dup (p.Ala1007_Lys1008insLeuTer)

Gene: POLE (DNA polymerase epsilon, catalytic subunit; minus strand). Cytogenetic location: 12q24.33.
Variant type: Duplication.
Coding change: c.3013_3020dup on transcript NM_006231.4 (MANE Select); coding-DNA positions 3013 to 3020, 8 bases duplicated (TCTGTAGC; older notation c.3013_3020dupTCTGTAGC).
Protein change: p.Ala1007_Lys1008insLeuTer.
Molecular consequence: nonsense.
Genome position (GRCh38, 1-based): chr12:132,661,009-132,661,016, GCTACAGA duplicated on the plus strand (TCTGTAGC on the coding strand, the reverse complement: POLE is on the minus strand); duplicating any 8 consecutive bases within chr12:132,661,009-132,661,018 gives the same sequence; the c. name uses the placement nearest the transcript's 3' end. VCF-style (leftmost placement, unchanged base first): chr12-132661008-G-GGCTACAGA. GRCh37 (hg19) VCF-style: chr12-133237594-G-GGCTACAGA.
Identifiers: ClinVar variation 3662981 (VCV003662981.2).